The following is an entry in ClinVar:

NM_024537.4(CARS2):c.1454G>A (p.Gly485Asp)

Gene: CARS2 (cysteinyl-tRNA synthetase 2, mitochondrial; minus strand). Cytogenetic location: 13q34.
Variant type: single nucleotide variant.
Coding change: c.1454G>A on transcript NM_024537.4 (MANE Select); coding-DNA position 1454, G replaced by A.
Protein change: p.Gly485Asp; replaces glycine 485 with aspartic acid.
Molecular consequence: missense variant. On other transcripts: non-coding transcript variant (2).
Genome position (GRCh38, 1-based): chr13:110,642,484, C>T on the plus strand (G>A on the coding strand, the complement: CARS2 is on the minus strand). VCF-style: chr13-110642484-C-T. GRCh37 (hg19) VCF-style: chr13-111294831-C-T.
Other names: c.668G>A, p.Gly223Asp (NM_001352252.2); short protein forms G485D, G223D.
Identifiers: ClinVar variation 1980365 (VCV001980365.2), dbSNP rs761330441, ClinGen allele CA7051646.

ClinVar aggregate classification (germline): Uncertain significance (1 of 4 stars; one submission).

Conditions:
Combined oxidative phosphorylation defect type 27. Also called: Combined oxidative phosphorylation deficiency 27. Identifiers: Orphanet 477774, MedGen C5567608, MONDO:0014728, OMIM 616672.

gnomAD v4.1: 15 of 1,610,370 alleles (0.00093%); highest among the groups gnomAD compares: African/African-American, 0.0027%; no homozygotes.

Submission:

Labcorp Genetics (formerly Invitae), Labcorp
Classification: Uncertain significance for Combined oxidative phosphorylation defect type 27. Last evaluated: 2022-03-12. Review status: criteria provided, single submitter. Criteria: Invitae Variant Classification Sherloc (09022015). Collection method: clinical testing. Allele origin: germline.
Comment: In summary, the available evidence is currently insufficient to determine the role of this variant in disease. Therefore, it has been classified as a Variant of Uncertain Significance. Algorithms developed to predict the effect of missense changes on protein structure and function (SIFT, PolyPhen-2, Align-GVGD) all suggest that this variant is likely to be tolerated. This variant has not been reported in the literature in individuals affected with CARS2-related conditions. This variant is present in population databases (rs761330441, gnomAD 0.002%). This sequence change replaces glycine, which is neutral and non-polar, with aspartic acid, which is acidic and polar, at codon 485 of the CARS2 protein (p.Gly485Asp).